The following is an entry in ClinVar:

NM_001378454.1(ALMS1):c.11723del (p.Thr3908fs)

Gene: ALMS1 (ALMS1 centrosome and basal body associated protein; plus strand). Cytogenetic location: 2p13.1.
Variant type: Deletion.
Coding change: c.11723del on transcript NM_001378454.1 (MANE Select); coding-DNA position 11723, one base deleted (C; older notation c.11723delC).
Protein change: p.Thr3908fs; shifts the reading frame from threonine 3908.
Molecular consequence: frameshift variant.
Genome position (GRCh38, 1-based): chr2:73,600,732, C deleted. VCF-style (leftmost placement, unchanged base first): chr2-73600731-AC-A. GRCh37 (hg19) VCF-style: chr2-73827858-AC-A.
Other names: c.11726del, p.Thr3909fs (NM_015120.4); c.11726delC (NM_015120.4); short protein forms T3909fs, T3908fs.
Identifiers: ClinVar variation 645734 (VCV000645734.9), dbSNP rs1573053412, ClinGen allele CA915944031.

ClinVar aggregate classification (germline): Pathogenic (1 of 4 stars; one submission).

Conditions:
Alstrom syndrome (ALMS). Identifiers: Orphanet 64, MedGen C0268425, MONDO:0008763, OMIM 203800.

Submission:

Labcorp Genetics (formerly Invitae), Labcorp
Classification: Pathogenic for Alstrom syndrome. Last evaluated: 2023-07-16. Review status: criteria provided, single submitter. Criteria: Invitae Variant Classification Sherloc (09022015). Collection method: clinical testing. Allele origin: germline.
Comment: For these reasons, this variant has been classified as Pathogenic. ClinVar contains an entry for this variant (Variation ID: 645734). This premature translational stop signal has been observed in individual(s) with Alström syndrome (PMID: 18195218). This variant is not present in population databases (gnomAD no frequency). This sequence change creates a premature translational stop signal (p.Thr3909Ilefs*18) in the ALMS1 gene. It is expected to result in an absent or disrupted protein product. Loss-of-function variants in ALMS1 are known to be pathogenic (PMID: 17594715).

Literature cited by the submitters: PubMed 18195218; PubMed 17594715.